The following is an entry in ClinVar:

ClinVar aggregate classification (germline): Uncertain significance (1 of 4 stars; one submission).

Allele frequency attached by ClinVar (database versions not stated): ExAC 0.00001; gnomAD 0.00001; gnomAD exomes 0.00001; TOPMed 0.00001.

Submission:

Labcorp Genetics (formerly Invitae), Labcorp
Classification: Uncertain significance. Last evaluated: 2022-04-25. Review status: criteria provided, single submitter. Criteria: Invitae Variant Classification Sherloc (09022015). Collection method: clinical testing. Allele origin: germline.
Comment: This sequence change replaces glutamic acid, which is acidic and polar, with lysine, which is basic and polar, at codon 817 of the TMEM132E protein (p.Glu817Lys). This variant is present in population databases (rs774316167, gnomAD 0.0009%). This variant has not been reported in the literature in individuals affected with TMEM132E-related conditions. Algorithms developed to predict the effect of missense changes on protein structure and function are either unavailable or do not agree on the potential impact of this missense change (SIFT: "Tolerated"; PolyPhen-2: "Not Available"; Align-GVGD: "Class C0"). In summary, the available evidence is currently insufficient to determine the role of this variant in disease. Therefore, it has been classified as a Variant of Uncertain Significance.

NM_001304438.2(TMEM132E):c.2449G>A (p.Glu817Lys)

Gene: TMEM132E (transmembrane protein 132E; plus strand). Cytogenetic location: 17q12.
Variant type: single nucleotide variant.
Coding change: c.2449G>A on transcript NM_001304438.2 (MANE Select); coding-DNA position 2449, G replaced by A.
Protein change: p.Glu817Lys; replaces glutamic acid 817 with lysine.
Molecular consequence: missense variant.
Genome position (GRCh38, 1-based): chr17:34,637,456, G>A. VCF-style: chr17-34637456-G-A. GRCh37 (hg19) VCF-style: chr17-32964475-G-A.
Other names: short protein forms E817K.
Identifiers: ClinVar variation 2121950 (VCV002121950.4), dbSNP rs774316167, ClinGen allele CA8496954.
Genomic context (GRCh38, chr17:34,637,456, plus strand): 5'-AAACGCAAGAGTGTGCTCGCCACGACCCCTGTGGGCCTGCGGGTGCACTTTGGGAGGGAC[G>A]AGGAGGACCCCACTTATGACTACCCGGGCCCCAGCCAACCAGGGCCCGGCGGGGGCGAGG-3'
Protein context (NP_001291367.1, residues 807-827): VGLRVHFGRD[Glu817Lys]EDPTYDYPGP